The following is an entry in ClinVar:

NM_000059.4(BRCA2):c.1646_1649del (p.Lys549fs)

Gene: BRCA2 (BRCA2 DNA repair associated; plus strand). Cytogenetic location: 13q13.1.
Variant type: Deletion.
Coding change: c.1646_1649del on transcript NM_000059.4 (MANE Select); coding-DNA positions 1646 to 1649, 4 bases deleted (AGGA; older notation c.1646_1649delAGGA).
Protein change: p.Lys549fs; shifts the reading frame from lysine 549.
Molecular consequence: frameshift variant.
Genome position (GRCh38, 1-based): chr13:32,333,124-32,333,127, AGGA deleted; deleting any 4 consecutive bases within chr13:32,333,122-32,333,127 gives the same sequence; the c. name uses the placement nearest the transcript's 3' end. VCF-style (leftmost placement, unchanged base first): chr13-32333121-AGAAG-A. GRCh37 (hg19) VCF-style: chr13-32907258-AGAAG-A.
Other names: c.1646_1649delAGGA (NM_000059.3); short protein forms K549fs.
Identifiers: ClinVar variation 51165 (VCV000051165.3), dbSNP rs397507599, ClinGen allele CA012752.

ClinVar aggregate classification (germline): Pathogenic. Review status: reviewed by expert panel (3 of 4 stars). 2 submissions from 2 submitters: Pathogenic (1). 1 of the submissions does not count toward it. Last evaluated 2017-12-15.

Conditions:
Breast-ovarian cancer, familial, susceptibility to, 2 (BROVCA2). Also called: BRCA2 Hereditary Breast and Ovarian Cancer. Identifiers: Orphanet 145, MedGen C2675520, MONDO:0012933, OMIM 612555. Disease mechanism: loss of function.
Familial cancer of breast. Also called: BREAST CANCER, FAMILIAL; Hereditary breast cancer; hereditary breast carcinoma. Identifiers: Orphanet 227535, MedGen C0346153, MONDO:0016419, OMIM 114480. Disease mechanism: loss of function.

Submissions (2):

Evidence-based Network for the Interpretation of Germline Mutant Alleles (ENIGMA)
Classification: Pathogenic for Breast-ovarian cancer, familial, susceptibility to, 2. Last evaluated: 2017-12-15. Review status: reviewed by expert panel. Criteria: ENIGMA BRCA1/2 Classification Criteria (2017-06-29). Collection method: curation. Allele origin: germline. Study: ENIGMA.
Comment: Variant allele predicted to encode a truncated non-functional protein.

ClinVar Staff, National Center for Biotechnology Information (NCBI)
No classification provided. Condition: Familial cancer of breast. Review status: no classification provided. Collection method: literature only. Allele origin: germline. Affected: yes. Not counted in ClinVar's aggregate classification.

Literature cited by the submitters: PubMed 18528753 (cited by ClinVar Staff, National Center for Biotechnology Information (NCBI)).